The following is an entry in ClinVar:

NM_015021.3(ZNF292):c.2462A>C (p.Gln821Pro)

Gene: ZNF292 (zinc finger protein 292; plus strand). Cytogenetic location: 6q14.3.
Variant type: single nucleotide variant.
Coding change: c.2462A>C on transcript NM_015021.3 (MANE Select); coding-DNA position 2462, A replaced by C.
Protein change: p.Gln821Pro; replaces glutamine 821 with proline.
Molecular consequence: missense variant.
Genome position (GRCh38, 1-based): chr6:87,256,091, A>C. VCF-style: chr6-87256091-A-C. GRCh37 (hg19) VCF-style: chr6-87965809-A-C.
Other names: c.2042A>C, p.Gln681Pro (NM_001351444.2); short protein forms Q681P, Q821P.
Identifiers: ClinVar variation 3364241 (VCV003364241.1).

ClinVar aggregate classification (germline): Uncertain significance (1 of 4 stars; one submission).

gnomAD v4.1: 1 of 1,613,308 alleles (0.000062%); highest among the groups gnomAD compares: Non-Finnish European, 0.000085%; no homozygotes.

Submission:

GeneDx
Classification: Uncertain significance. Last evaluated: 2023-11-14. Review status: criteria provided, single submitter. Criteria: GeneDx Variant Classification Process June 2021. Collection method: clinical testing. Allele origin: germline. Affected: yes.
Comment: Not observed at significant frequency in large population cohorts (gnomAD); In silico analysis supports that this missense variant does not alter protein structure/function; Has not been previously published as pathogenic or benign to our knowledge